The following is an entry in ClinVar:

ClinVar aggregate classification (germline): Uncertain significance (1 of 4 stars; one submission).

Conditions:
Inborn genetic diseases. Identifiers: MedGen C0950123, MeSH D030342.

Submission:

Ambry Genetics
Classification: Uncertain significance for Inborn genetic diseases. Last evaluated: 2016-08-25. Review status: criteria provided, single submitter. Criteria: Ambry Variant Classification Scheme 2023. Collection method: clinical testing. Allele origin: germline.
Comment: The p.G3345V variant (also known as c.10034G>T), located in coding exon 54 of the VPS13B gene, results from a G to T substitution at nucleotide position 10034. The glycine at codon 3345 is replaced by valine, an amino acid with dissimilar properties. This variant was not reported in population based cohorts in the following databases: Database of Single Nucleotide Polymorphisms (dbSNP), NHLBI Exome Sequencing Project (ESP), and 1000 Genomes Project. In the ESP, this variant was not observed in 6503 samples (13006 alleles) with coverage at this position. This amino acid position is highly conserved in available vertebrate species. In addition, this alteration is predicted to be deleterious by in silico analysis. Since supporting evidence is limited at this time, the clinical significance of this variant remains unclear.

NM_152564.5(VPS13B):c.9959G>T (p.Gly3320Val)

Gene: VPS13B (vacuolar protein sorting 13 homolog B; plus strand). Cytogenetic location: 8q22.2.
Variant type: single nucleotide variant.
Coding change: c.9959G>T on transcript NM_152564.5 (MANE Select); coding-DNA position 9959, G replaced by T.
Protein change: p.Gly3320Val; replaces glycine 3320 with valine.
Molecular consequence: missense variant.
Genome position (GRCh38, 1-based): chr8:99,848,792, G>T. VCF-style: chr8-99848792-G-T. GRCh37 (hg19) VCF-style: chr8-100861020-G-T.
Other names: c.10034G>T, p.Gly3345Val (NM_017890.5); short protein forms G3320V, G3345V.
Identifiers: ClinVar variation 588133 (VCV000588133.5), dbSNP rs1563506534, ClinGen allele CA371779496.